The following is an entry in ClinVar:

ClinVar aggregate classification (germline): Uncertain significance (1 of 4 stars; one submission).

Conditions:
Cone-rod dystrophy 6 (CORD6). Also called: RETINAL CONE DYSTROPHY 2; Cone dystrophy progressive. Identifiers: Orphanet 1872, MedGen C1866293, MONDO:0011143, OMIM 601777.
Leber congenital amaurosis 1 (LCA1). Also called: RETINAL BLINDNESS, CONGENITAL; AMAUROSIS CONGENITA OF LEBER I; Congenital absence of the rods and cones; Leber's congenital tapetoretinal degeneration; Leber's congenital tapetoretinal dysplasia. Identifiers: Orphanet 65, MedGen C2931258, MONDO:0008764, OMIM 204000.

Allele frequency attached by ClinVar (database versions not stated): gnomAD 0.00001; gnomAD exomes 0.00001; ExAC 0.00002.
gnomAD v4.1: 12 of 1,613,548 alleles (0.00074%); highest among the groups gnomAD compares: African/African-American, 0.0027%; no homozygotes.

Submission:

Labcorp Genetics (formerly Invitae), Labcorp
Classification: Uncertain significance for Leber congenital amaurosis 1; Cone-rod dystrophy 6. Last evaluated: 2021-11-05. Review status: criteria provided, single submitter. Criteria: Invitae Variant Classification Sherloc (09022015). Collection method: clinical testing. Allele origin: germline.
Comment: This sequence change replaces aspartic acid, which is acidic and polar, with asparagine, which is neutral and polar, at codon 270 of the GUCY2D protein (p.Asp270Asn). This variant is present in population databases (rs763099634, gnomAD 0.007%). This variant has not been reported in the literature in individuals affected with GUCY2D-related conditions. Algorithms developed to predict the effect of missense changes on protein structure and function are either unavailable or do not agree on the potential impact of this missense change (SIFT: "Deleterious"; PolyPhen-2: "Benign"; Align-GVGD: "Class C0"). In summary, the available evidence is currently insufficient to determine the role of this variant in disease. Therefore, it has been classified as a Variant of Uncertain Significance.

NM_000180.4(GUCY2D):c.808G>A (p.Asp270Asn)

Gene: GUCY2D (guanylate cyclase 2D, retinal; plus strand). Cytogenetic location: 17p13.1.
Variant type: single nucleotide variant.
Coding change: c.808G>A on transcript NM_000180.4 (MANE Select); coding-DNA position 808, G replaced by A.
Protein change: p.Asp270Asn; replaces aspartic acid 270 with asparagine.
Molecular consequence: missense variant.
Genome position (GRCh38, 1-based): chr17:8,003,938, G>A. VCF-style: chr17-8003938-G-A. GRCh37 (hg19) VCF-style: chr17-7907256-G-A.
Other names: short protein forms D270N.
Identifiers: ClinVar variation 1487560 (VCV001487560.3), dbSNP rs763099634, ClinGen allele CA8365575.